The following is an entry in ClinVar:

ClinVar aggregate classification (germline): Uncertain significance (1 of 4 stars; one submission).

Conditions:
Primary ciliary dyskinesia. Also called: Ciliary dyskinesia. Identifiers: Orphanet 244, MedGen C0008780, MONDO:0016575, HP:0012265.

Submission:

Labcorp Genetics (formerly Invitae), Labcorp
Classification: Uncertain significance for Primary ciliary dyskinesia. Last evaluated: 2023-07-17. Review status: criteria provided, single submitter. Criteria: Invitae Variant Classification Sherloc (09022015). Collection method: clinical testing. Allele origin: germline.
Comment: This sequence change replaces cysteine, which is neutral and slightly polar, with arginine, which is basic and polar, at codon 173 of the DNAH8 protein (p.Cys173Arg). This variant is not present in population databases (gnomAD no frequency). This variant has not been reported in the literature in individuals affected with DNAH8-related conditions. ClinVar contains an entry for this variant (Variation ID: 1962545). Experimental studies and prediction algorithms are not available or were not evaluated, and the functional significance of this variant is currently unknown. In summary, the available evidence is currently insufficient to determine the role of this variant in disease. Therefore, it has been classified as a Variant of Uncertain Significance.

NM_001206927.2(DNAH8):c.517T>C (p.Cys173Arg)

Genes: DNAH8 (dynein axonemal heavy chain 8; plus strand), LOC126859667 (BRD4-independent group 4 enhancer GRCh37_chr6:38690326-38691525; plus strand). Cytogenetic location: 6p21.2.
Variant type: single nucleotide variant.
Coding change: c.517T>C on transcript NM_001206927.2 (MANE Select); coding-DNA position 517, T replaced by C.
Protein change: p.Cys173Arg; replaces cysteine 173 with arginine.
Molecular consequence: missense variant. On other transcripts: 5 prime UTR variant (1).
Genome position (GRCh38, 1-based): chr6:38,723,463, T>C. VCF-style: chr6-38723463-T-C. GRCh37 (hg19) VCF-style: chr6-38691239-T-C.
Other names: c.-50T>C (NM_001371.4); short protein forms C173R.
Identifiers: ClinVar variation 1962545 (VCV001962545.5), dbSNP rs2533988786, ClinGen allele CA363985316.
Genomic context (GRCh38, chr6:38,723,463, plus strand): 5'-GAAATTCTAGCAGAAAATCTTGGCCTGGACATAGTAACTGTTGAAGAATTAATTTTGGAT[T>C]GCCCATCTGTAAGTTTAAGTCTTATCATTATATTTTAATTGCCCTTTGAGTAAGTGATTA-3'
Protein context (NP_001193856.1, residues 163-183): IVTVEELILD[Cys173Arg]PSLEAFTNFF